The following is an entry in ClinVar:

ClinVar aggregate classification (germline): Likely pathogenic. Review status: criteria provided, single submitter (1 of 4 stars). 2 submissions from 2 submitters: Likely pathogenic (1). 1 of the submissions does not count toward it. Last evaluated 2022-08-04.

Submissions (2):

Mayo Clinic Laboratories, Mayo Clinic
Classification: Likely pathogenic. Last evaluated: 2022-08-04. Review status: criteria provided, single submitter. Criteria: ACMG Guidelines, 2015. Collection method: clinical testing. Allele origin: germline. Observed: 1 variant allele.
Comment: PP3, PM1, PM2_supporting, PM3

UniProtKB/Swiss-Prot
No classification provided. Review status: no classification provided. Collection method: not provided. Allele origin: not provided. Not counted in ClinVar's aggregate classification.

Literature cited by the submitters: PubMed 16449289 (cited by Mayo Clinic Laboratories, Mayo Clinic); PubMed 21715306 (cited by Mayo Clinic Laboratories, Mayo Clinic); PubMed 21937160 (cited by Mayo Clinic Laboratories, Mayo Clinic).

NM_139027.6(ADAMTS13):c.702C>A (p.His234Gln)

Gene: ADAMTS13 (ADAM metallopeptidase with thrombospondin type 1 motif 13; plus strand). Cytogenetic location: 9q34.2.
Variant type: single nucleotide variant.
Coding change: c.702C>A on transcript NM_139027.6 (MANE Select); coding-DNA position 702, C replaced by A.
Protein change: p.His234Gln; replaces histidine 234 with glutamine.
Molecular consequence: missense variant.
Genome position (GRCh38, 1-based): chr9:133,428,649, C>A. VCF-style: chr9-133428649-C-A. GRCh37 (hg19) VCF-style: chr9-136293769-C-A.
Other names: c.702C>A, p.His234Gln (NM_139025.5, NM_139026.6); c.702C>A (NM_139025.4); short protein forms H234Q.
Identifiers: ClinVar variation 68826 (VCV000068826.2), dbSNP rs281875304, ClinGen allele CA220056.